The following is an entry in ClinVar:

ClinVar aggregate classification (germline): Pathogenic. Review status: criteria provided, multiple submitters, no conflicts (2 of 4 stars). 2 submissions from 2 submitters: Pathogenic (2). Last evaluated 2024-12-31.

Conditions:
Parathyroid carcinoma (PRTC). Also called: Parathyroid gland carcinoma; CDC73-Related Parathyroid Carcinoma. Identifiers: Orphanet 143, MedGen C0687150, MONDO:0012004, OMIM 608266, HP:0006780.

Submissions (2):

Labcorp Genetics (formerly Invitae), Labcorp
Classification: Pathogenic for Parathyroid carcinoma. Last evaluated: 2024-12-31. Review status: criteria provided, single submitter. Criteria: Invitae Variant Classification Sherloc (09022015). Collection method: clinical testing. Allele origin: germline.
Comment: This sequence change affects a donor splice site in intron 5 of the CDC73 gene. It is expected to disrupt RNA splicing. Variants that disrupt the donor or acceptor splice site typically lead to a loss of protein function (PMID: 16199547), and loss-of-function variants in CDC73 are known to be pathogenic (PMID: 12434154). This variant is not present in population databases (gnomAD no frequency). Disruption of this splice site has been observed in individuals with clinical features of hyperparathyroidism-jaw tumor syndrome (PMID: 32590342; internal data). ClinVar contains an entry for this variant (Variation ID: 430013). Algorithms developed to predict the effect of sequence changes on RNA splicing suggest that this variant may disrupt the consensus splice site. For these reasons, this variant has been classified as Pathogenic.

GeneDx
Classification: Pathogenic. Last evaluated: 2015-09-25. Review status: criteria provided, single submitter. Criteria: GeneDx Variant Classification (06012015). Collection method: clinical testing. Allele origin: germline. Affected: yes.
Comment: The IVS5+1 G>A splice site variant in the CDC73 gene destroys the canonical splice donor site in intron 5. It is predicted to cause abnormal gene splicing, either leading to an abnormal message that is subject to nonsense-mediated mRNA decay, or to an abnormal protein product if the message is used for protein translation. Although this variant has not been previously reported to our knowledge, we interpret it as pathogenic.

Literature cited by the submitters: PubMed 16199547 (cited by Labcorp Genetics (formerly Invitae), Labcorp); PubMed 12434154 (cited by Labcorp Genetics (formerly Invitae), Labcorp); PubMed 32590342 (cited by Labcorp Genetics (formerly Invitae), Labcorp).

NM_024529.5(CDC73):c.423+1G>A

Gene: CDC73 (cell division cycle 73; plus strand). Cytogenetic location: 1q31.2.
Variant type: single nucleotide variant.
Coding change: c.423+1G>A on transcript NM_024529.5 (MANE Select); the canonical splice donor site of the intron after coding-DNA position 423, G replaced by A.
Molecular consequence: splice donor variant.
Genome position (GRCh38, 1-based): chr1:193,135,590, G>A. VCF-style: chr1-193135590-G-A. GRCh37 (hg19) VCF-style: chr1-193104720-G-A.
Identifiers: ClinVar variation 430013 (VCV000430013.9), dbSNP rs1131691732, ClinGen allele CA343960811.